The following is an entry in ClinVar:

ClinVar aggregate classification (germline): Uncertain significance (1 of 4 stars; one submission).

Conditions:
COL2A1-related disorder. Also called: COL2A1-related condition; COL2A1-related disorders.

Allele frequency attached by ClinVar (database versions not stated): gnomAD exomes below 0.00001.
gnomAD v4.1: 1 of 1,600,066 alleles (0.000062%); highest among the groups gnomAD compares: Non-Finnish European, 0.000085%; no homozygotes.

Submission:

PreventionGenetics, part of Exact Sciences
Classification: Uncertain significance for COL2A1-related condition. Last evaluated: 2023-08-16. Review status: criteria provided, single submitter. Criteria: ACMG Guidelines, 2015. Collection method: clinical testing. Allele origin: germline.
Comment: The COL2A1 c.1988G>A variant is predicted to result in the amino acid substitution p.Gly663Glu. To our knowledge, this variant has not been reported in the literature or in a large population database, indicating this variant is rare. The p.Gly663Glu variant affects a Gly residue of the conserved triple helical domain, where substitutions of the glycine are usually pathogenic (Barat-Houari et al. 2016. PubMed ID: 26626311). In addition, nearby glycine substitutions (p.Gly657Arg and p.Gly669Ser) have been reported to be pathogenic (Chandler et al. 2018. PubMed ID: 29595812; Table S1 - Markova et al. 2022. PubMed ID: 35052477). Although we suspect that this variant may be pathogenic, at this time, the clinical significance of this variant is uncertain due to the absence of conclusive functional and genetic evidence.

NM_001844.5(COL2A1):c.1988G>A (p.Gly663Glu)

Gene: COL2A1 (collagen type II alpha 1 chain; minus strand). Cytogenetic location: 12q13.11.
Variant type: single nucleotide variant.
Coding change: c.1988G>A on transcript NM_001844.5 (MANE Select); coding-DNA position 1988, G replaced by A.
Protein change: p.Gly663Glu; replaces glycine 663 with glutamic acid.
Molecular consequence: missense variant.
Genome position (GRCh38, 1-based): chr12:47,983,690, C>T on the plus strand (G>A on the coding strand, the complement: COL2A1 is on the minus strand). VCF-style: chr12-47983690-C-T. GRCh37 (hg19) VCF-style: chr12-48377473-C-T.
Other names: c.1781G>A, p.Gly594Glu (NM_033150.3); short protein forms G594E, G663E.
Identifiers: ClinVar variation 2635264 (VCV002635264.1), dbSNP rs2540139865, ClinGen allele CA384548329.